The following is an entry in ClinVar:

NM_000512.5(GALNS):c.898+4A>G

Gene: GALNS (galactosamine (N-acetyl)-6-sulfatase; minus strand). Cytogenetic location: 16q24.3.
Variant type: single nucleotide variant.
Coding change: c.898+4A>G on transcript NM_000512.5 (MANE Select); 4 bases into the intron after coding-DNA position 898, A replaced by G.
Molecular consequence: intron variant.
Genome position (GRCh38, 1-based): chr16:88,835,209, T>C on the plus strand (A>G on the coding strand, the complement: GALNS is on the minus strand). VCF-style: chr16-88835209-T-C. GRCh37 (hg19) VCF-style: chr16-88901617-T-C.
Other names: c.343+4A>G (NM_001323543.2); c.916+4A>G (NM_001323544.2).
Identifiers: ClinVar variation 1008215 (VCV001008215.4), dbSNP rs774518058, ClinGen allele CA8234942.

ClinVar aggregate classification (germline): Uncertain significance (1 of 4 stars; one submission).

Conditions:
Mucopolysaccharidosis, MPS-IV-A (MPS4A). Also called: Morquio syndrome A, mild; MORQUIO SYNDROME A; Mucopolysaccharidosis type IV A; Mucopolysaccharidosis Type IVA; GALACTOSAMINE-6-SULFATASE DEFICIENCY; GALNS DEFICIENCY. Identifiers: Orphanet 309297, Orphanet 582, MedGen C0086651, MONDO:0009659, OMIM 253000.

Allele frequency attached by ClinVar (database versions not stated): TOPMed 0.00001; ExAC 0.00003; gnomAD exomes 0.00003 and below 0.00001; gnomAD 0.00001.
gnomAD v4.1: 8 of 1,577,406 alleles (0.00051%); highest among the groups gnomAD compares: Admixed American, 0.013%; no homozygotes.

Submission:

Labcorp Genetics (formerly Invitae), Labcorp
Classification: Uncertain significance for Mucopolysaccharidosis, MPS-IV-A. Last evaluated: 2020-10-03. Review status: criteria provided, single submitter. Criteria: Invitae Variant Classification Sherloc (09022015). Collection method: clinical testing. Allele origin: germline.
Comment: This sequence change falls in intron 8 of the GALNS gene. It does not directly change the encoded amino acid sequence of the GALNS protein, but it affects a nucleotide within the consensus splice site of the intron. This variant is present in population databases (rs774518058, ExAC 0.09%). This variant has not been reported in the literature in individuals with GALNS-related disease. Nucleotide substitutions within the consensus splice site are a relatively common cause of aberrant splicing (PMID: 17576681, 9536098). Algorithms developed to predict the effect of sequence changes on RNA splicing suggest that this variant may disrupt the consensus splice site, but this prediction has not been confirmed by published transcriptional studies. In summary, the available evidence is currently insufficient to determine the role of this variant in disease. Therefore, it has been classified as a Variant of Uncertain Significance.

Literature cited by the submitters: PubMed 17576681; PubMed 9536098.